The following is an entry in ClinVar:

NM_020937.4(FANCM):c.926A>C (p.Glu309Ala)

Gene: FANCM (FA complementation group M; plus strand). Cytogenetic location: 14q21.2.
Variant type: single nucleotide variant.
Coding change: c.926A>C on transcript NM_020937.4 (MANE Select); coding-DNA position 926, A replaced by C.
Protein change: p.Glu309Ala; replaces glutamic acid 309 with alanine.
Molecular consequence: missense variant.
Genome position (GRCh38, 1-based): chr14:45,151,404, A>C. VCF-style: chr14-45151404-A-C. GRCh37 (hg19) VCF-style: chr14-45620607-A-C.
Other names: c.848A>C, p.Glu283Ala (NM_001308133.2); c.926A>C, p.Glu309Ala (NM_001308134.2); short protein forms E309A, E283A.
Identifiers: ClinVar variation 313196 (VCV000313196.26), dbSNP rs143006771, ClinGen allele CA7168890.

ClinVar aggregate classification (germline): Conflicting classifications of pathogenicity. Review status: criteria provided, conflicting classifications (1 of 4 stars). 5 submissions from 5 submitters: Uncertain significance (2); Likely benign (2). 1 of the submissions does not count toward it. Last evaluated 2025-12-22.

Conditions:
FANCM-related disorder. Also called: FANCM-related condition.
Hereditary cancer-predisposing syndrome. Also called: Neoplastic Syndromes, Hereditary; Tumor predisposition; Hereditary Cancer Syndrome; Hereditary neoplastic syndrome. Identifiers: Orphanet 140162, MedGen C0027672, MeSH D009386, MONDO:0015356.
Fanconi anemia (FA). Also called: Fanconi's anemia. Identifiers: Orphanet 84, MedGen C0015625, MeSH D005199, MONDO:0019391.

Allele frequency attached by ClinVar (database versions not stated): 1000 Genomes Project 0.00020; 1000 Genomes Project 30x 0.00047; ESP Exome Variant Server 0.00077; gnomAD 0.00082 and 0.00091; TOPMed 0.00086.

Submissions (5):

Labcorp Genetics (formerly Invitae), Labcorp
Classification: Likely benign for Fanconi anemia. Last evaluated: 2025-12-22. Review status: criteria provided, single submitter. Criteria: Invitae Variant Classification Sherloc (09022015). Collection method: clinical testing. Allele origin: germline.

GeneDx
Classification: Uncertain significance. Last evaluated: 2025-04-03. Review status: criteria provided, single submitter. Criteria: GeneDx Variant Classification Process June 2021. Collection method: clinical testing. Allele origin: germline. Affected: yes.
Comment: Observed in unaffected controls, but not in any cases, from an ovarian cancer study (PMID: 28881617); In silico analysis supports that this missense variant has a deleterious effect on protein structure/function; This variant is associated with the following publications: (PMID: 33471991, 28881617)

Quest Diagnostics Nichols Institute San Juan Capistrano
Classification: Likely benign. Last evaluated: 2025-03-03. Review status: criteria provided, single submitter. Criteria: Quest Diagnostics criteria. Collection method: clinical testing. Allele origin: unknown.

Sema4
Classification: Uncertain significance for Hereditary cancer-predisposing syndrome. Last evaluated: 2021-10-29. Review status: criteria provided, single submitter. Criteria: Sema4 Curation Guidelines. Collection method: curation. Allele origin: germline.
Comment: The FANCM c.926A>C (p.E309A) variant has not been reported in the literature to our knowledge. It was observed in 75/24860 chromosomes of the African/African American subpopulation, with no homozygotes, in the large and broad cohorts of the Genome Aggregation Database (PMID: 32461654). This variant has been reported in ClinVar (Variation ID: 313196). Functional studies have not been performed, and in silico predictions of the variant's effect on protein function are inconclusive. The overall evidence is insufficient to meet ACMG/AMP criteria for classifying it as benign or pathogenic. In summary, the clinical significance of this variant is currently uncertain.

PreventionGenetics, part of Exact Sciences
Classification: Likely benign for FANCM-related condition. Last evaluated: 2022-03-01. Review status: no assertion criteria provided. Collection method: clinical testing. Allele origin: germline. Not counted in ClinVar's aggregate classification.
Comment: This variant is classified as likely benign based on ACMG/AMP sequence variant interpretation guidelines (Richards et al. 2015 PMID: 25741868, with internal and published modifications).

Literature cited by the submitters: PubMed 33471991 (cited by Quest Diagnostics Nichols Institute San Juan Capistrano); PubMed 36707629 (cited by Quest Diagnostics Nichols Institute San Juan Capistrano).